The following is an entry in ClinVar:

NM_000059.4(BRCA2):c.2766del (p.Phe922fs)

Gene: BRCA2 (BRCA2 DNA repair associated; plus strand). Cytogenetic location: 13q13.1.
Variant type: Deletion.
Coding change: c.2766del on transcript NM_000059.4 (MANE Select); coding-DNA position 2766, one base deleted (C; older notation c.2766delC).
Protein change: p.Phe922fs; shifts the reading frame from phenylalanine 922.
Molecular consequence: frameshift variant. On other transcripts: non-coding transcript variant (1), intron variant (2).
Genome position (GRCh38, 1-based): chr13:32,337,121, C deleted. VCF-style (leftmost placement, unchanged base first): chr13-32337120-TC-T. GRCh37 (hg19) VCF-style: chr13-32911257-TC-T.
Other names: c.2766del, p.Phe922fs (NM_001406719.1, NM_001406720.1, NM_001432077.1); c.1909+3734del (NM_001406721.1); c.424+6091del (NM_001406722.1); short protein forms F922fs.
Identifiers: ClinVar variation 3658582 (VCV003658582.2).

ClinVar aggregate classification (germline): Pathogenic (1 of 4 stars; one submission).

Conditions:
Hereditary breast ovarian cancer syndrome. Also called: Hereditary breast and ovarian cancer syndrome; Hereditary breast and/or ovarian cancer syndrome; Hereditary breast and ovarian cancer; Breast and ovarian cancer; Hereditary breast and ovarian cancer syndrome (HBOC); BRCA1- and BRCA2-Associated Hereditary Breast and Ovarian Cancer. Identifiers: Orphanet 145, MedGen C0677776, MeSH D061325, MONDO:0003582. Disease mechanism: loss of function.

Submission:

Labcorp Genetics (formerly Invitae), Labcorp
Classification: Pathogenic for Hereditary breast ovarian cancer syndrome. Last evaluated: 2024-07-03. Review status: criteria provided, single submitter. Criteria: Invitae Variant Classification Sherloc (09022015). Collection method: clinical testing. Allele origin: germline.
Comment: This sequence change creates a premature translational stop signal (p.Phe922Leufs*38) in the BRCA2 gene. It is expected to result in an absent or disrupted protein product. Loss-of-function variants in BRCA2 are known to be pathogenic (PMID: 20104584). This variant is not present in population databases (gnomAD no frequency). This variant has not been reported in the literature in individuals affected with BRCA2-related conditions. For these reasons, this variant has been classified as Pathogenic.

Literature cited by the submitters: PubMed 20104584.